The following is an entry in ClinVar:

NM_001128178.3(NPHP1):c.771+77_771+78del

Gene: NPHP1 (nephrocystin 1; minus strand). Cytogenetic location: 2q13.
Variant type: Microsatellite.
Coding change: c.771+77_771+78del on transcript NM_001128178.3 (MANE Select); bases 77 to 78 of the intron after coding-DNA position 771, 2 bases deleted (TG; older notation c.771+77_771+78delTG).
Molecular consequence: intron variant. On other transcripts: frameshift variant (2).
Genome position (GRCh38, 1-based): chr2:110,164,610-110,164,611, CA deleted on the plus strand (TG on the coding strand, the reverse complement: NPHP1 is on the minus strand); deleting any 2 consecutive bases within chr2:110,164,610-110,164,613 gives the same sequence; the c. name uses the placement nearest the transcript's 3' end. VCF-style (leftmost placement, unchanged base first): chr2-110164609-CCA-C. GRCh37 (hg19) VCF-style: chr2-110922186-CCA-C.
Other names: c.848_849del, p.Val283fs (NM_000272.5, NM_207181.4); c.585+77_585+78del (NM_001128179.3); c.771+77_771+78del (NM_001374256.1, NM_001374257.1); short protein forms V283fs.
Identifiers: ClinVar variation 861607 (VCV000861607.7), dbSNP rs1682584195, ClinGen allele CA916082197.
Genomic context (GRCh38, chr2:110,164,609, plus strand): 5'-TACGTCCTCTGCTCTGTACATTCCATGCCCTGAACCCTGTTTCAGATCCATTGGTGTCTT[CCA>C]CAGTCTCCATCCTATTTCGCATCAGAACTATTAGGTAGCAAAACGAGACATGATTAACAA-3'

ClinVar aggregate classification (germline): Pathogenic (1 of 4 stars; one submission).

Conditions:
Nephronophthisis. Also called: Juvenile Nephronophthisis. Identifiers: Orphanet 655, MedGen C0687120, MONDO:0019005, HP:0000090.

Submission:

Labcorp Genetics (formerly Invitae), Labcorp
Classification: Pathogenic for Nephronophthisis. Last evaluated: 2022-02-23. Review status: criteria provided, single submitter. Criteria: Invitae Variant Classification Sherloc (09022015). Collection method: clinical testing. Allele origin: germline.
Comment: For these reasons, this variant has been classified as Pathogenic. ClinVar contains an entry for this variant (Variation ID: 861607). This variant has not been reported in the literature in individuals affected with NPHP1-related conditions. This variant is not present in population databases (gnomAD no frequency). This sequence change creates a premature translational stop signal (p.Val283Glyfs*7) in the NPHP1 gene. It is expected to result in an absent or disrupted protein product. Loss-of-function variants in NPHP1 are known to be pathogenic (PMID: 23559409).

Literature cited by the submitters: PubMed 23559409.